The following is an entry in ClinVar:

NM_000052.7(ATP7A):c.2438T>C (p.Ile813Thr)

Gene: ATP7A (ATPase copper transporting alpha; plus strand). Cytogenetic location: Xq21.1.
Variant type: single nucleotide variant.
Coding change: c.2438T>C on transcript NM_000052.7 (MANE Select); coding-DNA position 2438, T replaced by C.
Protein change: p.Ile813Thr; replaces isoleucine 813 with threonine.
Molecular consequence: missense variant.
Genome position (GRCh38, 1-based): chrX:78,014,693, T>C. VCF-style: chrX-78014693-T-C. GRCh37 (hg19) VCF-style: chrX-77270190-T-C.
Other names: c.2204T>C, p.Ile735Thr (NM_001282224.2); c.2438T>C (NM_000052.4); short protein forms I735T, I813T.
Identifiers: ClinVar variation 2940587 (VCV002940587.4), dbSNP rs1384601697, ClinGen allele CA413599902.

ClinVar aggregate classification (germline): Uncertain significance. Review status: criteria provided, multiple submitters, no conflicts (2 of 4 stars). 2 submissions from 2 submitters: Uncertain significance (2). Last evaluated 2024-03-21.

Conditions:
Menkes kinky-hair syndrome (MNK). Also called: Copper transport disease; Menkes Disease; Classic Menkes Disease. Identifiers: Orphanet 565, MedGen C0022716, MONDO:0010651, OMIM 309400.
Cutis laxa, X-linked (OHS). Also called: EDS IX; Occipital horn syndrome. Identifiers: Orphanet 198, MedGen C0268353, MONDO:0010572, OMIM 304150.
X-linked distal spinal muscular atrophy type 3. Also called: ATP7A-Related Distal Motor Neuropathy; SPINAL MUSCULAR ATROPHY, DISTAL, X-LINKED RECESSIVE; NEURONOPATHY, DISTAL HEREDITARY MOTOR, X-LINKED; NEUROPATHY, DISTAL HEREDITARY MOTOR, X-LINKED. Identifiers: Orphanet 139557, MedGen C1845359, MONDO:0010338, OMIM 300489.

Allele frequency attached by ClinVar (database versions not stated): TOPMed 0.00002.

Submissions (2):

Labcorp Genetics (formerly Invitae), Labcorp
Classification: Uncertain significance for X-linked distal spinal muscular atrophy type 3; Cutis laxa, X-linked; Menkes kinky-hair syndrome. Last evaluated: 2024-03-21. Review status: criteria provided, single submitter. Criteria: Invitae Variant Classification Sherloc (09022015). Collection method: clinical testing. Allele origin: germline.
Comment: This sequence change replaces isoleucine, which is neutral and non-polar, with threonine, which is neutral and polar, at codon 813 of the ATP7A protein (p.Ile813Thr). This variant is not present in population databases (gnomAD no frequency). This variant has not been reported in the literature in individuals affected with ATP7A-related conditions. Advanced modeling of protein sequence and biophysical properties (such as structural, functional, and spatial information, amino acid conservation, physicochemical variation, residue mobility, and thermodynamic stability) performed at Invitae indicates that this missense variant is not expected to disrupt ATP7A protein function with a negative predictive value of 95%. In summary, the available evidence is currently insufficient to determine the role of this variant in disease. Therefore, it has been classified as a Variant of Uncertain Significance.

GeneDx
Classification: Uncertain significance. Last evaluated: 2023-10-16. Review status: criteria provided, single submitter. Criteria: GeneDx Variant Classification Process June 2021. Collection method: clinical testing. Allele origin: germline. Affected: yes.
Comment: Not observed at significant frequency in large population cohorts (gnomAD); In silico analysis supports that this missense variant has a deleterious effect on protein structure/function; Has not been previously published as pathogenic or benign to our knowledge